The following is an entry in ClinVar:

NM_018699.4(PRDM5):c.1282+9C>T

Gene: PRDM5 (PR/SET domain 5; minus strand). Cytogenetic location: 4q27.
Variant type: single nucleotide variant.
Coding change: c.1282+9C>T on transcript NM_018699.4 (MANE Select); 9 bases into the intron after coding-DNA position 1282, C replaced by T.
Molecular consequence: intron variant.
Genome position (GRCh38, 1-based): chr4:120,784,989, G>A on the plus strand (C>T on the coding strand, the complement: PRDM5 is on the minus strand). VCF-style: chr4-120784989-G-A. GRCh37 (hg19) VCF-style: chr4-121706144-G-A.
Other names: c.1189+9C>T (NM_001300824.2, NM_001379106.1, NM_001300823.2); c.1315+9C>T (NM_001379104.1).
Identifiers: ClinVar variation 507016 (VCV000507016.18), dbSNP rs79915407, ClinGen allele CA3061098.

ClinVar aggregate classification (germline): Benign/Likely benign. Review status: criteria provided, multiple submitters, no conflicts (2 of 4 stars). 6 submissions from 6 submitters: Benign (1); Likely benign (5). Last evaluated 2026-01-28.

Conditions:
Ehlers-Danlos syndrome (EDS). Identifiers: Orphanet 98249, MedGen C0013720, MONDO:0020066.
Brittle cornea syndrome 2 (BCS2). Identifiers: Orphanet 90354, MedGen C3280011, MONDO:0013605, OMIM 614170.

Allele frequency attached by ClinVar (database versions not stated): gnomAD 0.00011 and 0.00020; TOPMed 0.00031; gnomAD exomes 0.00037 and 0.00084; ExAC 0.00080; 1000 Genomes Project 30x 0.00109; 1000 Genomes Project 0.00140.
gnomAD v4.1: 544 of 1,572,740 alleles (0.035%); highest among the groups gnomAD compares: East Asian, 0.64%; 5 homozygotes.

Submissions (6):

Labcorp Genetics (formerly Invitae), Labcorp
Classification: Benign. Last evaluated: 2026-01-28. Review status: criteria provided, single submitter. Criteria: Invitae Variant Classification Sherloc (09022015). Collection method: clinical testing. Allele origin: germline.

Women's Health and Genetics/Laboratory Corporation of America, LabCorp
Classification: Likely benign. Last evaluated: 2025-01-03. Review status: criteria provided, single submitter. Criteria: LabCorp Variant Classification Summary - May 2015. Collection method: clinical testing. Allele origin: germline.

Blueprint Genetics
Classification: Likely benign. Last evaluated: 2024-11-21. Review status: criteria provided, single submitter. Criteria: ACMG Guidelines, 2015. Collection method: clinical testing. Allele origin: germline.

Genome Diagnostics Laboratory, The Hospital for Sick Children
Classification: Likely benign for Ehlers-Danlos syndrome. Last evaluated: 2021-06-11. Review status: criteria provided, single submitter. Criteria: ACMG Guidelines, 2015. Collection method: clinical testing. Allele origin: germline.

Centre for Mendelian Genomics, University Medical Centre Ljubljana
Classification: Likely benign for Brittle cornea syndrome 2. Last evaluated: 2019-09-16. Review status: criteria provided, single submitter. Criteria: ACMG Guidelines, 2015. Collection method: clinical testing. Allele origin: unknown. Affected: yes.
Comment: This variant was classified as: Likely benign.

GeneDx
Classification: Likely benign. Last evaluated: 2017-12-05. Review status: criteria provided, single submitter. Criteria: GeneDx Variant Classification (06012015). Collection method: clinical testing. Allele origin: germline. Affected: yes.
Comment: This variant is considered likely benign or benign based on one or more of the following criteria: it is a conservative change, it occurs at a poorly conserved position in the protein, it is predicted to be benign by multiple in silico algorithms, and/or has population frequency not consistent with disease.